The following is an entry in ClinVar:

ClinVar aggregate classification (germline): Uncertain significance. Review status: criteria provided, multiple submitters, no conflicts (2 of 4 stars). 2 submissions from 2 submitters: Uncertain significance (2). Last evaluated 2025-03-17.

Conditions:
Charcot-Marie-Tooth disease axonal type 2O. Also called: CHARCOT-MARIE-TOOTH NEUROPATHY, AXONAL, TYPE 2O; CHARCOT-MARIE-TOOTH DISEASE, AXONAL, AUTOSOMAL DOMINANT, TYPE 2O; Charcot-Marie-Tooth disease, axonal, type 20; Charcot-Marie-Tooth Neuropathy Type 2O. Identifiers: Orphanet 284232, MedGen C3280220, MONDO:0013644, OMIM 614228.

Submissions (2):

Labcorp Genetics (formerly Invitae), Labcorp
Classification: Uncertain significance for Charcot-Marie-Tooth disease axonal type 2O. Last evaluated: 2025-03-17. Review status: criteria provided, single submitter. Criteria: Invitae Variant Classification Sherloc (09022015). Collection method: clinical testing. Allele origin: germline.
Comment: This sequence change replaces glutamine, which is neutral and polar, with leucine, which is neutral and non-polar, at codon 2928 of the DYNC1H1 protein (p.Gln2928Leu). Information on the frequency of this variant in the gnomAD database is not available, as this variant may be reported differently in the database. This variant has not been reported in the literature in individuals affected with DYNC1H1-related conditions. ClinVar contains an entry for this variant (Variation ID: 1314511). An algorithm developed to predict the effect of missense changes on protein structure and function (PolyPhen-2) suggests that this variant is likely to be disruptive. In summary, the available evidence is currently insufficient to determine the role of this variant in disease. Therefore, it has been classified as a Variant of Uncertain Significance.

GeneDx
Classification: Uncertain significance. Last evaluated: 2023-10-15. Review status: criteria provided, single submitter. Criteria: GeneDx Variant Classification Process June 2021. Collection method: clinical testing. Allele origin: germline. Affected: yes.
Comment: Not observed at significant frequency in large population cohorts (gnomAD); In silico analysis supports a deleterious effect on protein structure/function; In-silico analysis is inconclusive as to whether the variant alters gene splicing. In the absence of RNA/functional studies, the actual effect of this sequence change is unknown.; Has not been previously published as pathogenic or benign to our knowledge; This variant is associated with the following publications: (PMID: 25512093, 25609763, 26100331)

NM_001376.5(DYNC1H1):c.8782_8783delinsTT (p.Gln2928Leu)

Gene: DYNC1H1 (dynein cytoplasmic 1 heavy chain 1; plus strand). Cytogenetic location: 14q32.31.
Variant type: Indel.
Coding change: c.8782_8783delinsTT on transcript NM_001376.5 (MANE Select); coding-DNA positions 8782 to 8783, CA replaced by TT.
Protein change: p.Gln2928Leu; replaces glutamine 2928 with leucine.
Molecular consequence: missense variant.
Genome position (GRCh38, 1-based): chr14:102,027,184-102,027,185, CA replaced by TT. VCF-style: chr14-102027184-CA-TT. GRCh37 (hg19) VCF-style: chr14-102493521-CA-TT.
Other names: short protein forms Q2928L.
Identifiers: ClinVar variation 1314511 (VCV001314511.7), dbSNP rs2152588934, ClinGen allele CA2573053852.